The following is an entry in ClinVar:

ClinVar aggregate classification (germline): Uncertain significance (1 of 4 stars; one submission).

Conditions:
TTN-related disorder. Also called: TTN-related condition; TTN-related disease; TTN-related disorders.

Submission:

PreventionGenetics, part of Exact Sciences
Classification: Uncertain significance for TTN-related condition. Last evaluated: 2026-07-14. Review status: criteria provided, single submitter. Criteria: ACMG Guidelines, 2015. Collection method: clinical testing. Allele origin: germline.
Comment: The TTN c.38572G>C variant is predicted to result in the amino acid substitution p.Glu12858Gln. To our knowledge, this variant has not been reported in the literature or in a large population database (gnomAD), indicating this variant is rare. At this time, the clinical significance of this variant is uncertain due to the absence of conclusive functional and genetic evidence.

NM_001267550.2(TTN):c.38572G>C (p.Glu12858Gln)

Gene: TTN (titin; minus strand). Cytogenetic location: 2q31.2.
Variant type: single nucleotide variant.
Coding change: c.38572G>C on transcript NM_001267550.2 (MANE Select); coding-DNA position 38572, G replaced by C.
Protein change: p.Glu12858Gln; replaces glutamic acid 12858 with glutamine.
Molecular consequence: missense variant. On other transcripts: intron variant (5).
Genome position (GRCh38, 1-based): chr2:178,653,675, C>G on the plus strand (G>C on the coding strand, the complement: TTN is on the minus strand). VCF-style: chr2-178653675-C-G. GRCh37 (hg19) VCF-style: chr2-179518402-C-G.
Other names: c.13283-11358G>C (NM_003319.4); c.13859-11358G>C (NM_133437.4); c.13658-11358G>C (NM_133432.3); c.31742-1134G>C (NM_133378.4); c.34523-1134G>C (NM_001256850.1); short protein forms E12858Q.
Identifiers: ClinVar variation 4977643 (VCV004977643.1).